The following is an entry in ClinVar:

ClinVar aggregate classification (germline): Likely pathogenic. Review status: criteria provided, single submitter (1 of 4 stars). 2 submissions from 2 submitters: Likely pathogenic (1). 1 of the submissions does not count toward it. Last evaluated 2020-09-08.

Conditions:
Andersen Tawil syndrome (LQT7). Also called: Andersen Syndrome; ANDERSEN CARDIODYSRHYTHMIC PERIODIC PARALYSIS; Potassium-sensitive periodic paralysis, ventricular ectopy, and dysmorphic features; LONG QT SYNDROME 7; PERIODIC PARALYSIS, POTASSIUM-SENSITIVE CARDIODYSRHYTHMIC TYPE. Identifiers: Orphanet 37553, MedGen C1563715, MONDO:0008222, OMIM 170390.
Short QT syndrome type 3. Identifiers: Orphanet 51083, MedGen C1865018, MONDO:0012314, OMIM 609622.

Submissions (2):

Labcorp Genetics (formerly Invitae), Labcorp
Classification: Likely pathogenic for Short QT syndrome type 3; Andersen Tawil syndrome. Last evaluated: 2020-09-08. Review status: criteria provided, single submitter. Criteria: Invitae Variant Classification Sherloc (09022015). Collection method: clinical testing. Allele origin: germline.
Comment: In summary, the currently available evidence indicates that the variant is pathogenic, but additional data are needed to prove that conclusively. Therefore, this variant has been classified as Likely Pathogenic. Experimental studies have shown that this deletion affects KCNJ2 protein function (PMID: 12909315, 12163457, 22002906, 14522976). Deletion of these amino acids has been observed in individual(s) with Andersen-Tawil syndrome (PMID: 11371347, 12163457, Invitae). In at least one individual the variant was observed to be de novo. This variant is not present in population databases (ExAC no frequency). This variant, c.939_944del, results in the deletion of 2 amino acid(s) of the KCNJ2 protein (p.Ser314_Tyr315del), but otherwise preserves the integrity of the reading frame.

OMIM
Classification: Pathogenic for ANDERSEN CARDIODYSRHYTHMIC PERIODIC PARALYSIS. Last evaluated: 2001-05-18. Review status: no assertion criteria provided. Collection method: literature only. Allele origin: germline. Not counted in ClinVar's aggregate classification.

Literature cited by the submitters: PubMed 12909315 (cited by Labcorp Genetics (formerly Invitae), Labcorp); PubMed 12163457 (cited by Labcorp Genetics (formerly Invitae), Labcorp); PubMed 22002906 (cited by Labcorp Genetics (formerly Invitae), Labcorp); PubMed 14522976 (cited by Labcorp Genetics (formerly Invitae), Labcorp); PubMed 11371347 (cited by Labcorp Genetics (formerly Invitae), Labcorp and OMIM).

NM_000891.3(KCNJ2):c.939_944del (p.Ser314_Tyr315del)

Gene: KCNJ2 (potassium inwardly rectifying channel subfamily J member 2; plus strand). Cytogenetic location: 17q24.3.
Variant type: Deletion.
Coding change: c.939_944del on transcript NM_000891.3 (MANE Select); coding-DNA positions 939 to 944, 6 bases deleted (CTCTTA; older notation c.939_944delCTCTTA).
Protein change: p.Ser314_Tyr315del.
Molecular consequence: inframe deletion.
Genome position (GRCh38, 1-based): chr17:70,175,978-70,175,983, CTCTTA deleted. VCF-style (leftmost placement, unchanged base first): chr17-70175977-GCTCTTA-G. GRCh37 (hg19) VCF-style: chr17-68172118-GCTCTTA-G.
Identifiers: ClinVar variation 981438 (VCV000981438.12), dbSNP rs2074390325, ClinGen allele CA1139665862.